The following is an entry in ClinVar:

NM_000018.4(ACADVL):c.1269G>A (p.Ser423=)

Gene: ACADVL (acyl-CoA dehydrogenase very long chain; plus strand). Cytogenetic location: 17p13.1.
Variant type: single nucleotide variant.
Coding change: c.1269G>A on transcript NM_000018.4 (MANE Select); coding-DNA position 1269, G replaced by A.
Protein change: p.Ser423=; no amino-acid change (serine 423 retained).
Molecular consequence: synonymous variant.
Genome position (GRCh38, 1-based): chr17:7,223,730, G>A. VCF-style: chr17-7223730-G-A. GRCh37 (hg19) VCF-style: chr17-7127049-G-A.
Other names: NM_000018.4(ACADVL):c.1269G>A; p.Ser423=; c.1203G>A, p.Ser401= (NM_001033859.3); c.1338G>A, p.Ser446= (NM_001270447.2); c.1041G>A, p.Ser347= (NM_001270448.2).
Identifiers: ClinVar variation 569548 (VCV000569548.32), dbSNP rs765356942, ClinGen allele CA8338048.
Genomic context (GRCh38, chr17:7,223,730, plus strand): 5'-CATGGACCAGGGAGCCACGGACTTCCAGATAGAGGCCGCCATCAGCAAAATCTTTGGCTC[G>A]GTGAGGTCCCAGGCATGCTGGGAGGGAGTCCAGTTTGGGTGCTCAGCTCCCAAAACCAGT-3'
Protein context (NP_000009.1, residues 413-433): IEAAISKIFG[Ser423=]EAAWKVTDEC

ClinVar aggregate classification (germline): Pathogenic. Review status: reviewed by expert panel (3 of 4 stars). 7 submissions from 7 submitters: Pathogenic (1). 6 of the submissions do not count toward it. Last evaluated 2026-06-24.

Conditions:
ACADVL-related disorder. Also called: ACADVL-related condition.
Very long chain acyl-CoA dehydrogenase deficiency (ACADVLD). Also called: VLCAD Deficiency; Very Long-Chain Acyl-Coenzyme A Dehydrogenase Deficiency. Identifiers: Orphanet 26793, MedGen C3887523, MONDO:0008723, OMIM 201475.

Allele frequency attached by ClinVar (database versions not stated): gnomAD 0.00001; gnomAD exomes 0.00001 and 0.00002; ExAC 0.00003.
gnomAD v4.1: 12 of 1,613,998 alleles (0.00074%); highest among the groups gnomAD compares: African/African-American, 0.0013%; no homozygotes.

Submissions (7):

ClinGen ACADVL Variant Curation Expert Panel, ClinGen
Classification: Pathogenic for Very long chain acyl-CoA dehydrogenase deficiency. Last evaluated: 2026-06-24. Review status: reviewed by expert panel. Criteria: ClinGen ACADVL ACMG Specifications ACADVL V2.1. Collection method: curation. Allele origin: germline. Inheritance: Autosomal recessive inheritance.
Comment: The c.1269G>A (NM_000018.4) variant in ACADVL is a synonymous variant which occurs in the final nucleotide of exon 12, a position that is generally considered highly conserved. At least one patient with this variant displayed reduced very long chain acyl-CoA dehydrogenase (VLCAD) enzyme levels in lymphocytes, which is highly specific for VLCAD deficiency (PP4_moderate, PMID: 30194637). The highest population minor allele frequency in gnomAD v4.1.1 0.00001335 in African/African American population, which is lower than the ClinGen ACADVL Variant Curation Expert Panel threshold (<0.001) for PM2_Supporting, meeting this criterion (PM2_Supporting). The computational splicing predictor SpliceAI gives a score of 0.79 for donor loss, predicting that the variant disrupts the donor splice site of intron 12 of ACADVL (PP3). This variant has been detected in one individual with very long chain acyl CoA dehydrogenase (VLCAD) deficiency in a potential compound heterozygous state with a likely pathogenic variant, but this information is insufficient to use toward classification (PMID: 30194637). It has also been detected in one patient that was compound heterozygous for the variant and likely pathogenic variant (c.1055T>C (p.Met352Thr)) confirmed in trans by parental testing (PMID: 40678976), but this information is insufficient to use toward classification as no biochemical data for this patient is available (PM3 not applied). RT-PCR, ACADVL Minigene, Plasmid Construction and ACADVL expression analysis in 293T and HeLa cells showed skip of exon 12 and decreased mRNA expression indicating that this variant impacts protein function (PMID: 40678976) PVS1_RNA). In summary, this variant meets the criteria to be classified as pathogenic for autosomal recessive VLCAD deficiency based on the ACMG/AMP criteria applied, as specified by the ClinGen ACADVL Variant Curation Expert Panel: PVS1_RNA,PM2_supporting, PP4_Moderate (ACADVL VCEP specifications version 2.1.0; approved September 4, 2025).

Natera, Inc.
Classification: Likely pathogenic for Very long chain acyl-CoA dehydrogenase deficiency. Last evaluated: 2024-12-08. Review status: criteria provided, single submitter. Criteria: Natera Variant Classification Schema (03/2026). Collection method: clinical testing. Allele origin: germline. Not counted in ClinVar's aggregate classification.
Comment: The c.1269G>A variant in ACADVL is a synonymous variant that does not alter the encoded amino acid at position 423 (p.S423=). This variant is rare in the general population with a frequency below the threshold expected for the associated phenotype(s). This variant has been observed in one or more individuals affected with the associated recessive disease, as either homozygous or compound heterozygous with a second variant (PMID: 9973285, 38390979). Computational prediction algorithms indicate this variant is likely to affect gene or protein function. Given the available evidence, this variant is classified as Likely Pathogenic.

Victorian Clinical Genetics Services, Murdoch Childrens Research Institute
Classification: Likely pathogenic for Very long chain acyl-CoA dehydrogenase deficiency. Last evaluated: 2024-12-05. Review status: criteria provided, single submitter. Criteria: ACMG Guidelines, 2015. Collection method: clinical testing. Allele origin: germline. Not counted in ClinVar's aggregate classification.
Comment: This variant is classified as Likely pathogenic. Evidence in support of pathogenic classification: Non-canonical splice site variant without proven consequence on splicing (no functional evidence available); Variant is present in gnomAD <0.01 for a recessive condition (v4: 12 heterozygote(s), 0 homozygote(s)); This variant has moderate previous evidence of pathogenicity in unrelated individuals. This variant has been more recently classified as likely pathogenic in ClinVar, as well as two VUS entries. This variant has also been reported in two unrelated compound heterozygous individuals with VLCAD deficiency (PMID: 30194637, 9973285); Another splice site variant comparable to the one identified in this case has limited previous evidence for pathogenicity. c.1269G>C p.(Ser423=) has been identified in a compound heterozygous individual with VLCAD deficiency (LOVD, personal communication). Additional information: This variant is heterozygous; This gene is associated with autosomal recessive disease; No published segregation evidence has been identified for this variant; No published functional evidence has been identified for this variant; In silico prediction for abnormal splicing and nucleotide conservation are conflicting; Loss of function is a known mechanism of disease in this gene and is associated with VLCAD deficiency (MIM#201475); Variants in this gene are known to have variable expressivity. Clinical severity is dependant on how much residual enzyme activity remains (PMID: 31031081).

Blueprint Genetics
Classification: Likely pathogenic for ACADVL-related disorders. Last evaluated: 2024-06-26. Review status: criteria provided, single submitter. Criteria: ACMG Guidelines, 2015. Collection method: clinical testing. Allele origin: germline. Affected: yes. Observed: 3 variant alleles. Not counted in ClinVar's aggregate classification.

Baylor Genetics
Classification: Likely pathogenic for Very long chain acyl-CoA dehydrogenase deficiency. Last evaluated: 2024-02-15. Review status: criteria provided, single submitter. Criteria: ACMG Guidelines, 2015. Collection method: clinical testing. Allele origin: unknown. Not counted in ClinVar's aggregate classification.

Labcorp Genetics (formerly Invitae), Labcorp
Classification: Uncertain significance for Very long chain acyl-CoA dehydrogenase deficiency. Last evaluated: 2022-08-01. Review status: criteria provided, single submitter. Criteria: Invitae Variant Classification Sherloc (09022015). Collection method: clinical testing. Allele origin: germline. Not counted in ClinVar's aggregate classification.
Comment: This sequence change affects codon 423 of the ACADVL mRNA. It is a 'silent' change, meaning that it does not change the encoded amino acid sequence of the ACADVL protein. This variant also falls at the last nucleotide of exon 12, which is part of the consensus splice site for this exon. This variant is present in population databases (rs765356942, gnomAD 0.006%). This variant has been observed in individual(s) with very long-chain acyl-CoA dehydrogenase deficiency (PMID: 9973285, 30194637). ClinVar contains an entry for this variant (Variation ID: 569548). Variants that disrupt the consensus splice site are a relatively common cause of aberrant splicing (PMID: 17576681, 9536098). Algorithms developed to predict the effect of sequence changes on RNA splicing suggest that this variant may disrupt the consensus splice site. In summary, the available evidence is currently insufficient to determine the role of this variant in disease. Therefore, it has been classified as a Variant of Uncertain Significance.

CeGaT Center for Human Genetics Tuebingen
Classification: Pathogenic. Last evaluated: 2017-05-01. Review status: criteria provided, single submitter. Criteria: CeGaT Center For Human Genetics Tuebingen Variant Classification Criteria Version 2. Collection method: clinical testing. Allele origin: germline. Affected: yes. Observed: 1 variant allele. Not counted in ClinVar's aggregate classification.

Literature cited by the submitters: PubMed 9973285 (cited by Natera, Inc. and Labcorp Genetics (formerly Invitae), Labcorp); PubMed 38390979 (cited by Natera, Inc.); PubMed 31031081 (cited by Victorian Clinical Genetics Services, Murdoch Childrens Research Institute); PubMed 30194637 (cited by Labcorp Genetics (formerly Invitae), Labcorp); PubMed 17576681 (cited by Labcorp Genetics (formerly Invitae), Labcorp); PubMed 9536098 (cited by Labcorp Genetics (formerly Invitae), Labcorp).